The following is an entry in ClinVar:

ClinVar aggregate classification (germline): Uncertain significance. Review status: criteria provided, single submitter (1 of 4 stars). 3 submissions from 3 submitters: Uncertain significance (1). 2 of the submissions do not count toward it. Last evaluated 2026-01-15.

Allele frequency attached by ClinVar (database versions not stated): ExAC 0.00001; gnomAD 0.00001; gnomAD exomes 0.00001; TOPMed 0.00001.
gnomAD v4.1: 9 of 1,613,406 alleles (0.00056%); highest among the groups gnomAD compares: East Asian, 0.0089%; no homozygotes.

Submissions (3):

Labcorp Genetics (formerly Invitae), Labcorp
Classification: Uncertain significance. Last evaluated: 2026-01-15. Review status: criteria provided, single submitter. Criteria: Invitae Variant Classification Sherloc (09022015). Collection method: clinical testing. Allele origin: germline.
Comment: This sequence change falls in intron 29 of the COL9A1 gene. It does not directly change the encoded amino acid sequence of the COL9A1 protein. It affects a nucleotide within the consensus splice site. This variant is present in population databases (rs372289111, gnomAD 0.01%). This variant has not been reported in the literature in individuals affected with COL9A1-related conditions. ClinVar contains an entry for this variant (Variation ID: 961342). Variants that disrupt the consensus splice site are a relatively common cause of aberrant splicing (PMID: 17576681, 9536098). Algorithms developed to predict the effect of sequence changes on RNA splicing suggest that this variant may create or strengthen a splice site. In summary, the available evidence is currently insufficient to determine the role of this variant in disease. Therefore, it has been classified as a Variant of Uncertain Significance.

Clinical Genetics DNA and cytogenetics Diagnostics Lab, Erasmus MC, Erasmus Medical Center
Classification: Likely benign. Review status: no assertion criteria provided. Collection method: clinical testing. Allele origin: germline. Affected: yes. Study: VKGL Data-share Consensus. Not counted in ClinVar's aggregate classification.

Genome Diagnostics Laboratory, Amsterdam University Medical Center
Classification: Likely benign. Review status: no assertion criteria provided. Collection method: clinical testing. Allele origin: germline. Affected: yes. Study: VKGL Data-share Consensus. Not counted in ClinVar's aggregate classification.

Literature cited by the submitters: PubMed 17576681 (cited by Labcorp Genetics (formerly Invitae), Labcorp); PubMed 9536098 (cited by Labcorp Genetics (formerly Invitae), Labcorp).

NM_001851.6(COL9A1):c.1926+6T>G

Gene: COL9A1 (collagen type IX alpha 1 chain; minus strand). Cytogenetic location: 6q13.
Variant type: single nucleotide variant.
Coding change: c.1926+6T>G on transcript NM_001851.6 (MANE Select); 6 bases into the intron after coding-DNA position 1926, T replaced by G.
Molecular consequence: intron variant.
Genome position (GRCh38, 1-based): chr6:70,242,656, A>C on the plus strand (T>G on the coding strand, the complement: COL9A1 is on the minus strand). VCF-style: chr6-70242656-A-C. GRCh37 (hg19) VCF-style: chr6-70952359-A-C.
Other names: c.1197+6T>G (NM_001377290.1, NM_078485.4); c.1227+6T>G (NM_001377289.1).
Identifiers: ClinVar variation 961342 (VCV000961342.10), dbSNP rs372289111, ClinGen allele CA3881959.